The following is an entry in ClinVar:

ClinVar aggregate classification (germline): Uncertain significance (1 of 4 stars; one submission).

Conditions:
Cone-rod synaptic disorder syndrome, congenital nonprogressive. Identifiers: MedGen C5436505, MONDO:0033543, OMIM 618970.

gnomAD v4.1: 168 of 1,569,720 alleles (0.011%); highest among the groups gnomAD compares: Middle Eastern, 0.099%; no homozygotes.

Submission:

Dasa
Classification: Uncertain significance for Cone-rod synaptic disorder syndrome, congenital nonprogressive. Last evaluated: 2025-10-29. Review status: criteria provided, single submitter. Criteria: DASA Assertion Criteria. Collection method: clinical testing. Allele origin: germline.
Comment: NM_001348484.3(RIMS2):c.3655G>A (p.Gly1219Arg) is a missense variant that results in the substitution of glycine with arginine. This variant is rare in population databases. The currently available literature and clinical evidence are not sufficient to establish a definitive association between this variant and the reported condition. Therefore, this variant is classified as a variant of uncertain significance.

NM_001348484.3(RIMS2):c.3655G>A (p.Gly1219Arg)

Gene: RIMS2 (regulating synaptic membrane exocytosis 2; plus strand). Cytogenetic location: 8q22.3.
Variant type: single nucleotide variant.
Coding change: c.3655G>A on transcript NM_001348484.3 (MANE Select); coding-DNA position 3655, G replaced by A.
Protein change: p.Gly1219Arg; replaces glycine 1219 with arginine.
Molecular consequence: missense variant. On other transcripts: intron variant (22), non-coding transcript variant (1).
Genome position (GRCh38, 1-based): chr8:104,068,574, G>A. VCF-style: chr8-104068574-G-A. GRCh37 (hg19) VCF-style: chr8-105080802-G-A.
Other names: c.2611+53118G>A (NM_001348504.2); c.2842+27216G>A (NM_001348499.2); c.2776+53959G>A (NM_014677.5); c.2596+53959G>A (NM_001348500.2); c.2743+53118G>A (NM_001348508.2); c.2710+53959G>A (NM_001348506.2); c.2530+53959G>A (NM_001348502.2); c.2917+53959G>A (NM_001348505.2); and 22 more; short protein forms G1123R, G1132R, G1161R, G1170R, G1172R, G1219R, G887R, G936R.
Identifiers: ClinVar variation 4881435 (VCV004881435.2).